The following is an entry in ClinVar:

NM_024580.6(EFL1):c.1495G>T (p.Glu499Ter)

Gene: EFL1 (elongation factor like GTPase 1; minus strand). Cytogenetic location: 15q25.2.
Variant type: single nucleotide variant.
Coding change: c.1495G>T on transcript NM_024580.6 (MANE Select); coding-DNA position 1495, G replaced by T.
Protein change: p.Glu499Ter; replaces glutamic acid 499 with a stop codon.
Molecular consequence: nonsense. On other transcripts: non-coding transcript variant (1).
Genome position (GRCh38, 1-based): chr15:82,219,768, C>A on the plus strand (G>T on the coding strand, the complement: EFL1 is on the minus strand). VCF-style: chr15-82219768-C-A. GRCh37 (hg19) VCF-style: chr15-82512109-C-A.
Other names: c.1342G>T, p.Glu448Ter (NM_001040610.3); c.706G>T, p.Glu236Ter (NM_001322844.2); c.1495G>T, p.Glu499Ter (NM_001322845.2); short protein forms E236*, E448*, E499*.
Identifiers: ClinVar variation 997658 (VCV000997658.7), dbSNP rs373183367, ClinGen allele CA7697961.
Genomic context (GRCh38, chr15:82,219,768, plus strand): 5'-CTCTTCGAGCCACACCACTGAACACCCGAGCAAATGCAATAAAAGACTCTTGGTTGTTTT[C>A]TTCCTGGAGCACAGGTTTAGGGGTCATACTTTCCACCTGTTGCTCGTCACCTGACAGAAA-3'

ClinVar aggregate classification (germline): Uncertain significance. Review status: criteria provided, multiple submitters, no conflicts (2 of 4 stars). 2 submissions from 2 submitters: Uncertain significance (2). Last evaluated 2024-10-09.

Allele frequency attached by ClinVar (database versions not stated): ESP Exome Variant Server 0.00008; ExAC 0.00003; gnomAD 0.00005 and 0.00006; TOPMed 0.00007.
gnomAD v4.1: 51 of 1,613,948 alleles (0.0032%); highest among the groups gnomAD compares: Non-Finnish European, 0.00059%; no homozygotes.

Submissions (2):

Blueprint Genetics
Classification: Uncertain significance. Last evaluated: 2024-10-09. Review status: criteria provided, single submitter. Criteria: ACMG Guidelines, 2015. Collection method: clinical testing. Allele origin: germline.

Labcorp Genetics (formerly Invitae), Labcorp
Classification: Uncertain significance. Last evaluated: 2022-10-27. Review status: criteria provided, single submitter. Criteria: Invitae Variant Classification Sherloc (09022015). Collection method: clinical testing. Allele origin: germline.
Comment: This sequence change creates a premature translational stop signal (p.Glu499*) in the EFL1 gene. It is expected to result in an absent or disrupted protein product. However, the current clinical and genetic evidence is not sufficient to establish whether loss-of-function variants in EFL1 cause disease. This variant is present in population databases (rs373183367, gnomAD 0.07%). This variant has not been reported in the literature in individuals affected with EFL1-related conditions. ClinVar contains an entry for this variant (Variation ID: 997658). In summary, the available evidence is currently insufficient to determine the role of this variant in disease. Therefore, it has been classified as a Variant of Uncertain Significance.